The following is an entry in ClinVar:

ClinVar aggregate classification (germline): Uncertain significance (1 of 4 stars; one submission).

Submission:

GeneDx
Classification: Uncertain significance. Last evaluated: 2022-03-18. Review status: criteria provided, single submitter. Criteria: GeneDx Variant Classification Process June 2021. Collection method: clinical testing. Allele origin: germline. Affected: yes.
Comment: Not observed at significant frequency in large population cohorts (gnomAD); In silico analysis supports that this missense variant does not alter protein structure/function; Has not been previously published as pathogenic or benign to our knowledge

NM_004519.4(KCNQ3):c.2458C>A (p.Pro820Thr)

Gene: KCNQ3 (potassium voltage-gated channel subfamily Q member 3; minus strand). Cytogenetic location: 8q24.22.
Variant type: single nucleotide variant.
Coding change: c.2458C>A on transcript NM_004519.4 (MANE Select); coding-DNA position 2458, C replaced by A.
Protein change: p.Pro820Thr; replaces proline 820 with threonine.
Molecular consequence: missense variant.
Genome position (GRCh38, 1-based): chr8:132,129,423, G>T on the plus strand (C>A on the coding strand, the complement: KCNQ3 is on the minus strand). VCF-style: chr8-132129423-G-T. GRCh37 (hg19) VCF-style: chr8-133141670-G-T.
Other names: c.2098C>A, p.Pro700Thr (NM_001204824.2); short protein forms P700T, P820T.
Identifiers: ClinVar variation 1706237 (VCV001706237.2), dbSNP rs2536856543, ClinGen allele CA372215849.
Genomic context (GRCh38, chr8:132,129,423, plus strand): 5'-TGTCCGTCTCACCCTCGGCGAGGTACCGCTTCTCCCTCATCCAGCTCGACCCCCCATTGG[G>T]GCCGAACACATAATCATCTCTGTCCTGGGAGATGCTGAAGCCACTTGGAGACCTCTCCAG-3'
Protein context (NP_004510.1, residues 810-830): SQDRDDYVFG[Pro820Thr]NGGSSWMREK